The following is an entry in ClinVar:

ClinVar aggregate classification (germline): Uncertain significance. Review status: criteria provided, multiple submitters, no conflicts (2 of 4 stars). 3 submissions from 3 submitters: Uncertain significance (3). Last evaluated 2024-03-06.

Conditions:
Cardiomyopathy (CMYO). Also called: Cardiomyopathies. Identifiers: Orphanet 167848, MedGen C0878544, MONDO:0004994, HP:0001638. Inheritance: Various modes of inheritance.

Allele frequency attached by ClinVar (database versions not stated): gnomAD exomes 0.00001; gnomAD 0.00002; TOPMed 0.00003.

Submissions (3):

Color Diagnostics, LLC DBA Color Health
Classification: Uncertain significance for Cardiomyopathy. Last evaluated: 2024-03-06. Review status: criteria provided, single submitter. Criteria: ACMG Guidelines, 2015. Collection method: clinical testing. Allele origin: germline.
Comment: This missense variant replaces glycine with aspartic acid at codon 569 of the PKP2 protein. Computational prediction suggests that this variant may not impact protein structure and function (internally defined REVEL score threshold <= 0.5, PMID: 27666373). To our knowledge, functional studies have not been reported for this variant. This variant has not been reported in individuals affected with PKP2-related disorders in the literature. This variant has been identified in 2/250866 chromosomes in the general population by the Genome Aggregation Database (gnomAD). The available evidence is insufficient to determine the role of this variant in disease conclusively. Therefore, this variant is classified as a Variant of Uncertain Significance.

Women's Health and Genetics/Laboratory Corporation of America, LabCorp
Classification: Uncertain significance. Last evaluated: 2023-08-19. Review status: criteria provided, single submitter. Criteria: LabCorp Variant Classification Summary - May 2015. Collection method: clinical testing. Allele origin: germline.

GeneDx
Classification: Uncertain significance. Last evaluated: 2019-07-01. Review status: criteria provided, single submitter. Criteria: GeneDx Variant Classification Process June 2021. Collection method: clinical testing. Allele origin: germline. Affected: yes.
Comment: Not observed at a significant frequency in large population cohorts (Lek et al., 2016); In silico analysis, which includes protein predictors and evolutionary conservation, supports that this variant does not alter protein structure/function; Has not been previously published as pathogenic or benign to our knowledge

NM_001005242.3(PKP2):c.1574G>A (p.Gly525Asp)

Gene: PKP2 (plakophilin 2; minus strand). Cytogenetic location: 12p11.21.
Variant type: single nucleotide variant.
Coding change: c.1574G>A on transcript NM_001005242.3 (MANE Select); coding-DNA position 1574, G replaced by A.
Protein change: p.Gly525Asp; replaces glycine 525 with aspartic acid.
Molecular consequence: missense variant.
Genome position (GRCh38, 1-based): chr12:32,824,145, C>T on the plus strand (G>A on the coding strand, the complement: PKP2 is on the minus strand). VCF-style: chr12-32824145-C-T. GRCh37 (hg19) VCF-style: chr12-32977079-C-T.
Other names: c.1706G>A, p.Gly569Asp (NM_004572.4); short protein forms G525D, G569D.
Identifiers: ClinVar variation 924839 (VCV000924839.8), dbSNP rs898915439, ClinGen allele CA235239770.